The following is an entry in ClinVar:

NM_001377.3(DYNC2H1):c.8833-172A>C

Gene: DYNC2H1 (dynein cytoplasmic 2 heavy chain 1; plus strand). Cytogenetic location: 11q22.3.
Variant type: single nucleotide variant.
Coding change: c.8833-172A>C on transcript NM_001377.3 (MANE Select); 172 bases into the intron before coding-DNA position 8833, A replaced by C.
Molecular consequence: intron variant.
Genome position (GRCh38, 1-based): chr11:103,219,743, A>C. VCF-style: chr11-103219743-A-C. GRCh37 (hg19) VCF-style: chr11-103090472-A-C.
Other names: c.8833-172A>C (NM_001080463.2).
Identifiers: ClinVar variation 667725 (VCV000667725.2), dbSNP rs610158, ClinGen allele CA227416960.

ClinVar aggregate classification (germline): Benign. Review status: criteria provided, multiple submitters, no conflicts (2 of 4 stars). 2 submissions from 2 submitters: Benign (2). Last evaluated 2018-06-14.

Allele frequency attached by ClinVar (database versions not stated): 1000 Genomes Project 0.92093; 1000 Genomes Project 30x 0.92380; TOPMed 0.93033; gnomAD 0.93223 and 0.93558.
gnomAD v4.1: 141,969 of 152,256 alleles (93%); highest among the groups gnomAD compares: African/African-American, 94%; 66,220 homozygotes.

Submissions (2):

GeneDx
Classification: Benign. Last evaluated: 2018-06-14. Review status: criteria provided, single submitter. Criteria: GeneDx Variant Classification (06012015). Collection method: clinical testing. Allele origin: germline. Affected: yes.
Comment: This variant is considered likely benign or benign based on one or more of the following criteria: it is a conservative change, it occurs at a poorly conserved position in the protein, it is predicted to be benign by multiple in silico algorithms, and/or has population frequency not consistent with disease.

Breakthrough Genomics
Classification: Benign. Review status: criteria provided, single submitter. Criteria: ACMG Guidelines, 2015. Collection method: not provided. Allele origin: germline. Inheritance: Autosomal recessive inheritance. Affected: yes.